The following is an entry in ClinVar:

ClinVar aggregate classification (germline): Pathogenic. Review status: criteria provided, multiple submitters, no conflicts (2 of 4 stars). 3 submissions from 3 submitters: Pathogenic (2). 1 of the submissions does not count toward it. Last evaluated 2025-07-29.

Conditions:
Facioscapulohumeral muscular dystrophy 2 (FSHD2). Also called: MUSCULAR DYSTROPHY, FACIOSCAPULOHUMERAL, TYPE 1B; FACIOSCAPULOHUMERAL MUSCULAR DYSTROPHY 2, DIGENIC; FSHD2, DIGENIC. Identifiers: Orphanet 269, MedGen C1834671, MONDO:0008031, OMIM 158901.

Allele frequency attached by ClinVar (database versions not stated): gnomAD exomes below 0.00001.
gnomAD v4.1: 2 of 1,612,000 alleles (0.00012%); highest among the groups gnomAD compares: Non-Finnish European, 0.00017%; no homozygotes.

Submissions (3):

Labcorp Genetics (formerly Invitae), Labcorp
Classification: Pathogenic for Facioscapulohumeral muscular dystrophy 2. Last evaluated: 2025-07-29. Review status: criteria provided, single submitter. Criteria: Invitae Variant Classification Sherloc (09022015). Collection method: clinical testing. Allele origin: germline.
Comment: This sequence change affects codon 1522 of the SMCHD1 mRNA. It is a 'silent' change, meaning that it does not change the encoded amino acid sequence of the SMCHD1 protein. This variant also falls at the last nucleotide of exon 36, which is part of the consensus splice site for this exon. This variant is not present in population databases (gnomAD no frequency). This variant has been observed in individual(s) with facioscapulohumeral muscular dystrophy 2 (PMID: 23143600). ClinVar contains an entry for this variant (Variation ID: 39859). Variants that disrupt the consensus splice site are a relatively common cause of aberrant splicing (PMID: 17576681, 9536098). Studies have shown that this variant is associated with inconclusive levels of altered splicing (PMID: 23143600). For these reasons, this variant has been classified as Pathogenic.

Revvity Omics, Revvity
Classification: Pathogenic. Last evaluated: 2022-08-02. Review status: criteria provided, single submitter. Criteria: ACMG Guidelines, 2015. Collection method: clinical testing. Allele origin: germline.

OMIM
Classification: Pathogenic for FACIOSCAPULOHUMERAL MUSCULAR DYSTROPHY 2, DIGENIC. Last evaluated: 2012-12-01. Review status: no assertion criteria provided. Collection method: literature only. Allele origin: germline. Not counted in ClinVar's aggregate classification.

Literature cited by the submitters: PubMed 23143600 (cited by Labcorp Genetics (formerly Invitae), Labcorp and OMIM); PubMed 17576681 (cited by Labcorp Genetics (formerly Invitae), Labcorp); PubMed 9536098 (cited by Labcorp Genetics (formerly Invitae), Labcorp).

NM_015295.3(SMCHD1):c.4566G>A (p.Thr1522=)

Gene: SMCHD1 (structural maintenance of chromosomes flexible hinge domain containing 1; plus strand). Cytogenetic location: 18p11.32.
Variant type: single nucleotide variant.
Coding change: c.4566G>A on transcript NM_015295.3 (MANE Select); coding-DNA position 4566, G replaced by A.
Protein change: p.Thr1522=; no amino-acid change (threonine 1522 retained).
Molecular consequence: synonymous variant.
Genome position (GRCh38, 1-based): chr18:2,762,236, G>A. VCF-style: chr18-2762236-G-A. GRCh37 (hg19) VCF-style: chr18-2762234-G-A.
Other names: T1522T.
Identifiers: ClinVar variation 39859 (VCV000039859.7), dbSNP rs1598416221, ClinGen allele CA502690624.
Genomic context (GRCh38, chr18:2,762,236, plus strand): 5'-TTCAAATGTTCGCTCAGTTGCCAGTAGGACCTTGGTCAGAGATCTACATCTTAGTATCAC[G>A]GTAATGTTTATTTTCTTCCAAAACTGCGAAGGGTAACAAGAAAAATTATCTTTGATTTTA-3'
Protein context (NP_056110.2, residues 1512-1532): TLVRDLHLSI[Thr1522=]DDYDNHTGID